The following is an entry in ClinVar:

ClinVar aggregate classification (germline): Uncertain significance (1 of 4 stars; one submission).

Conditions:
Multiple congenital anomalies-hypotonia-seizures syndrome 1 (MCAHS1). Also called: GLYCOSYLPHOSPHATIDYLINOSITOL BIOSYNTHESIS DEFECT 3; PIGN-CDG; Congenital disorder of glycosylation due to PIGN deficiency. Identifiers: Orphanet 280633, MedGen C3279775, MONDO:0013563, OMIM 614080.

Submission:

Dasa
Classification: Uncertain significance for Multiple congenital anomalies-hypotonia-seizures syndrome 1. Last evaluated: 2025-06-12. Review status: criteria provided, single submitter. Criteria: DASA Assertion Criteria. Collection method: clinical testing. Allele origin: germline.
Comment: NM_176787.5(PIGN):c.643A>C (p.Thr215Pro) is a missense variant that results in the substitution of threonine with proline. This variant is absent from population databases. Computational prediction algorithms are consistent with a deleterious effect. The currently available literature and clinical evidence are not sufficient to establish a definitive association between this variant and the reported condition. Therefore, this variant is classified as a variant of uncertain significance.

NM_176787.5(PIGN):c.643A>C (p.Thr215Pro)

Gene: PIGN (phosphatidylinositol glycan anchor biosynthesis class N; minus strand). Cytogenetic location: 18q21.33.
Variant type: single nucleotide variant.
Coding change: c.643A>C on transcript NM_176787.5 (MANE Select); coding-DNA position 643, A replaced by C.
Protein change: p.Thr215Pro; replaces threonine 215 with proline.
Molecular consequence: missense variant.
Genome position (GRCh38, 1-based): chr18:62,148,245, T>G on the plus strand (A>C on the coding strand, the complement: PIGN is on the minus strand). VCF-style: chr18-62148245-T-G. GRCh37 (hg19) VCF-style: chr18-59815478-T-G.
Other names: c.643A>C, p.Thr215Pro (NM_001438896.1, NM_001438904.1, NM_001438905.1 and 2 more transcripts); short protein forms T215P.
Identifiers: ClinVar variation 4883509 (VCV004883509.2).